The following is an entry in ClinVar:

NM_007315.4(STAT1):c.1155G>A (p.Thr385=)

Gene: STAT1 (signal transducer and activator of transcription 1; minus strand). Cytogenetic location: 2q32.2.
Variant type: single nucleotide variant.
Coding change: c.1155G>A on transcript NM_007315.4 (MANE Select); coding-DNA position 1155, G replaced by A.
Protein change: p.Thr385=; no amino-acid change (threonine 385 retained).
Molecular consequence: synonymous variant.
Genome position (GRCh38, 1-based): chr2:190,986,920, C>T on the plus strand (G>A on the coding strand, the complement: STAT1 is on the minus strand). VCF-style: chr2-190986920-C-T. GRCh37 (hg19) VCF-style: chr2-191851646-C-T.
Other names: p.Thr385=; c.1095G>A, p.Thr365= (NM_001384880.1); c.1161G>A, p.Thr387= (NM_001384881.1, NM_001384884.1); c.1149G>A, p.Thr383= (NM_001384882.1); c.1056G>A, p.Thr352= (NM_001384883.1); c.996G>A, p.Thr332= (NM_001384885.1); c.1155G>A, p.Thr385= (NM_001384886.1, NM_001384889.1, NM_139266.3); c.1062G>A, p.Thr354= (NM_001384887.1); and 3 more.
Identifiers: ClinVar variation 333279 (VCV000333279.54), dbSNP rs41270237, ClinGen allele CA2030016.

ClinVar aggregate classification (germline): Benign/Likely benign. Review status: criteria provided, multiple submitters, no conflicts (2 of 4 stars). 7 submissions from 7 submitters: Benign (3); Likely benign (4). Last evaluated 2026-09-01.

Conditions:
Mendelian susceptibility to mycobacterial diseases due to partial STAT1 deficiency. Also called: IMMUNODEFICIENCY 31A, MYCOBACTERIOSIS, AUTOSOMAL DOMINANT; STAT1 DEFICIENCY, AUTOSOMAL DOMINANT; Immunodeficiency 31a. Identifiers: Orphanet 319595, MedGen C4013950, MONDO:0013956, OMIM 614892.
Autoimmune enteropathy and endocrinopathy - susceptibility to chronic infections syndrome. Also called: Immunodeficiency 31C; Immunodeficiency 31C, autosomal dominant. Identifiers: Orphanet 391487, MedGen C3279990, MONDO:0013599, OMIM 614162.
Immunodeficiency 31B. Also called: STAT1 DEFICIENCY, AUTOSOMAL RECESSIVE; IMMUNODEFICIENCY 31B, MYCOBACTERIAL AND VIRAL INFECTIONS, AUTOSOMAL RECESSIVE. Identifiers: Orphanet 391311, MedGen C3151088, MONDO:0013427, OMIM 613796.

Allele frequency attached by ClinVar (database versions not stated): gnomAD 0.00280 and 0.00287; ExAC 0.00413; 1000 Genomes Project 30x 0.00172; 1000 Genomes Project 0.00180; ESP Exome Variant Server 0.00238; TOPMed 0.00259.
gnomAD v4.1: 5,943 of 1,614,156 alleles (0.37%); highest among the groups gnomAD compares: Middle Eastern, 1.9%; 28 homozygotes.

Submissions (7):

CeGaT Center for Human Genetics Tuebingen
Classification: Likely benign. Last evaluated: 2026-09-01. Review status: criteria provided, single submitter. Criteria: CeGaT Center For Human Genetics Tuebingen Variant Classification Criteria Version 2. Collection method: clinical testing. Allele origin: germline. Affected: yes. Observed: 20 variant alleles.
Comment: STAT1: BP4, BP7, BS2

Labcorp Genetics (formerly Invitae), Labcorp
Classification: Benign for Mendelian susceptibility to mycobacterial diseases due to partial STAT1 deficiency; Immunodeficiency 31B; Autoimmune enteropathy and endocrinopathy - susceptibility to chronic infections syndrome. Last evaluated: 2026-02-01. Review status: criteria provided, single submitter. Criteria: Invitae Variant Classification Sherloc (09022015). Collection method: clinical testing. Allele origin: germline.

Blueprint Genetics
Classification: Likely benign. Last evaluated: 2024-11-25. Review status: criteria provided, single submitter. Criteria: ACMG Guidelines, 2015. Collection method: clinical testing. Allele origin: germline.

Mayo Clinic Laboratories, Mayo Clinic
Classification: Benign. Last evaluated: 2022-07-25. Review status: criteria provided, single submitter. Criteria: ACMG Guidelines, 2015. Collection method: clinical testing. Allele origin: germline. Observed: 6 variant alleles.
Comment: BS1, BS2, BP4, BP7

Genetic Services Laboratory, University of Chicago
Classification: Benign. Last evaluated: 2021-11-10. Review status: criteria provided, single submitter. Criteria: ACMG Guidelines, 2015. Collection method: clinical testing. Allele origin: germline. Affected: no.

Illumina Laboratory Services, Illumina
Classification: Likely benign for Mendelian susceptibility to mycobacterial diseases due to partial STAT1 deficiency. Last evaluated: 2017-04-27. Review status: criteria provided, single submitter. Criteria: ICSL Variant Classification Criteria 13 December 2019. Collection method: clinical testing. Allele origin: germline.
Comment: This variant was observed as part of a predisposition screen in an ostensibly healthy population. A literature search was performed for the gene, cDNA change, and amino acid change (where applicable). No publications were found based on this search. Allele frequency data from public databases allowed determination this variant is unlikely to cause disease. Therefore, this variant is classified as likely benign.

Breakthrough Genomics
Classification: Likely benign. Review status: criteria provided, single submitter. Criteria: ACMG Guidelines, 2015. Collection method: not provided. Allele origin: germline. Inheritance: Autosomal recessive inheritance. Affected: yes.